The following is an entry in ClinVar:

ClinVar aggregate classification (germline): Pathogenic (1 of 4 stars; one submission).

Conditions:
Duchenne muscular dystrophy (DMD). Also called: MUSCULAR DYSTROPHY, PSEUDOHYPERTROPHIC PROGRESSIVE, DUCHENNE TYPE; Duchenne Muscular Dystrophy (DMD). Identifiers: Orphanet 98896, MedGen C0013264, MONDO:0010679, OMIM 310200.

Submission:

Labcorp Genetics (formerly Invitae), Labcorp
Classification: Pathogenic for Duchenne muscular dystrophy. Last evaluated: 2018-08-25. Review status: criteria provided, single submitter. Criteria: Invitae Variant Classification Sherloc (09022015). Collection method: clinical testing. Allele origin: germline.
Comment: Loss-of-function variants in DMD are known to be pathogenic (PMID: 16770791, 25007885). This variant has been observed in an individuals affected with DMD-related dystrophinopathy (PMID:¬†28181689, Invitae). This variant results in a copy number gain of the genomic region encompassing exons 8-33 of the DMD gene. While the exact position of this variant cannot be determined from this data, sub-genic copy number gains are generally in tandem (PMID: 25640679) and may result in an absent or disrupted protein product. For these reasons, this variant has been classified as Pathogenic.

Literature cited by the submitters: PubMed 16770791; PubMed 25007885; PubMed 25640679.

NC_000023.10:g.(?_32404417)_(32717420_?)dup

Genes: MIR3915 (microRNA 3915; minus strand), MIR548F5 (microRNA 548f-5; minus strand), DMD (dystrophin; minus strand). Cytogenetic location: Xp21.1.
Variant type: Duplication.
Identifiers: ClinVar variation 660687 (VCV000660687.8).